The following is an entry in ClinVar:

NM_033409.4(SLC52A3):c.1027G>A (p.Val343Met)

Gene: SLC52A3 (solute carrier family 52 member 3; minus strand). Cytogenetic location: 20p13.
Variant type: single nucleotide variant.
Coding change: c.1027G>A on transcript NM_033409.4 (MANE Select); coding-DNA position 1027, G replaced by A.
Protein change: p.Val343Met; replaces valine 343 with methionine.
Molecular consequence: missense variant.
Genome position (GRCh38, 1-based): chr20:763,544, C>T on the plus strand (G>A on the coding strand, the complement: SLC52A3 is on the minus strand). VCF-style: chr20-763544-C-T. GRCh37 (hg19) VCF-style: chr20-744188-C-T.
Other names: c.1027G>A, p.Val343Met (NM_001370085.1, NM_001370086.1); short protein forms V343M.
Identifiers: ClinVar variation 1478221 (VCV001478221.7), dbSNP rs758815341, ClinGen allele CA9724630.

ClinVar aggregate classification (germline): Conflicting classifications of pathogenicity. Review status: criteria provided, conflicting classifications (1 of 4 stars). 2 submissions from 2 submitters: Uncertain significance (1); Likely benign (1). Last evaluated 2022-03-18.

Conditions:
Inborn genetic diseases. Identifiers: MedGen C0950123, MeSH D030342.
Brown-Vialetto-van Laere syndrome 1. Also called: BROWN-VIALETTO-VAN LAERE SYNDROME 1, MILD; BULBAR PALSY, PROGRESSIVE, WITH SENSORINEURAL DEAFNESS; PONTOBULBAR PALSY WITH DEAFNESS. Identifiers: Orphanet 572550, Orphanet 97229, MedGen C0796274, MONDO:0024537, OMIM 211530.

Allele frequency attached by ClinVar (database versions not stated): gnomAD exomes below 0.00001 and 0.00001; ExAC 0.00001.
gnomAD v4.1: 4 of 1,614,140 alleles (0.00025%); highest among the groups gnomAD compares: Middle Eastern, 0.016%; no homozygotes.

Submissions (2):

Ambry Genetics
Classification: Likely benign for Inborn genetic diseases. Last evaluated: 2022-03-18. Review status: criteria provided, single submitter. Criteria: Ambry Variant Classification Scheme 2023. Collection method: clinical testing. Allele origin: germline.

Labcorp Genetics (formerly Invitae), Labcorp
Classification: Uncertain significance for Brown-Vialetto-van Laere syndrome 1. Last evaluated: 2021-08-14. Review status: criteria provided, single submitter. Criteria: Invitae Variant Classification Sherloc (09022015). Collection method: clinical testing. Allele origin: germline.
Comment: This sequence change replaces valine with methionine at codon 343 of the SLC52A3 protein (p.Val343Met). The valine residue is moderately conserved and there is a small physicochemical difference between valine and methionine. This variant is present in population databases (rs758815341, ExAC 0.001%). This variant has not been reported in the literature in individuals affected with SLC52A3-related conditions. Algorithms developed to predict the effect of missense changes on protein structure and function output the following: SIFT: "Tolerated"; PolyPhen-2: "Benign"; Align-GVGD: "Class C0". The methionine amino acid residue is found in multiple mammalian species, which suggests that this missense change does not adversely affect protein function. In summary, the available evidence is currently insufficient to determine the role of this variant in disease. Therefore, it has been classified as a Variant of Uncertain Significance.